The following is an entry in ClinVar:

ClinVar aggregate classification (germline): Uncertain significance. Review status: criteria provided, multiple submitters, no conflicts (2 of 4 stars). 4 submissions from 4 submitters: Uncertain significance (3). 1 of the submissions does not count toward it. Last evaluated 2024-10-11.

Conditions:
Ataxia-telangiectasia-like disorder (ATLD). Identifiers: MedGen C1858391, MONDO:0011457.
MRE11-related disorder. Also called: MRE11-related condition.
Hereditary cancer-predisposing syndrome. Also called: Neoplastic Syndromes, Hereditary; Tumor predisposition; Hereditary Cancer Syndrome; Hereditary neoplastic syndrome. Identifiers: Orphanet 140162, MedGen C0027672, MeSH D009386, MONDO:0015356.

Submissions (4):

Women's Health and Genetics/Laboratory Corporation of America, LabCorp
Classification: Uncertain significance. Last evaluated: 2024-10-11. Review status: criteria provided, single submitter. Criteria: LabCorp Variant Classification Summary - May 2015. Collection method: clinical testing. Allele origin: germline.
Comment: Variant summary: MRE11A c.2070+5delA alters a conserved nucleotide located close to a canonical splice site and therefore could affect mRNA splicing, leading to a significantly altered protein sequence. Consensus agreement among computation tools predict no significant impact on normal splicing. However, these predictions have yet to be confirmed by functional studies. The variant allele was found at a frequency of 2.1e-05 in 1608354 control chromosomes. This frequency is not significantly higher than estimated for a pathogenic variant in MRE11A causing Ataxia Telangiectasia-Like Disorder (2.1e-05 vs 0.0013), allowing no conclusion about variant significance. To our knowledge, no occurrence of c.2070+5delA in individuals affected with Ataxia Telangiectasia-Like Disorder and no experimental evidence demonstrating its impact on protein function have been reported. ClinVar contains an entry for this variant (Variation ID: 141839). Based on the evidence outlined above, the variant was classified as uncertain significance.

Ambry Genetics
Classification: Uncertain significance for Hereditary cancer-predisposing syndrome. Last evaluated: 2023-06-05. Review status: criteria provided, single submitter. Criteria: Ambry Variant Classification Scheme 2023. Collection method: clinical testing. Allele origin: germline.
Comment: The c.2070+5delA intronic variant, located in intron 18 of the MRE11A gene, results from a deletion of one nucleotide within intron 18 of the MRE11A gene. This nucleotide position is poorly conserved in available vertebrate species. In silico splice site analysis for this alteration is inconclusive. Since supporting evidence is limited at this time, the clinical significance of this alteration remains unclear.

Labcorp Genetics (formerly Invitae), Labcorp
Classification: Uncertain significance for Ataxia-telangiectasia-like disorder. Last evaluated: 2022-07-01. Review status: criteria provided, single submitter. Criteria: Invitae Variant Classification Sherloc (09022015). Collection method: clinical testing. Allele origin: germline.
Comment: This sequence change falls in intron 19 of the MRE11 gene. It does not directly change the encoded amino acid sequence of the MRE11 protein. It affects a nucleotide within the consensus splice site. This variant is present in population databases (rs587782048, gnomAD 0.002%). This variant has not been reported in the literature in individuals affected with MRE11-related conditions. ClinVar contains an entry for this variant (Variation ID: 141839). Variants that disrupt the consensus splice site are a relatively common cause of aberrant splicing (PMID: 17576681, 9536098). Algorithms developed to predict the effect of sequence changes on RNA splicing suggest that this variant may create or strengthen a splice site. In summary, the available evidence is currently insufficient to determine the role of this variant in disease. Therefore, it has been classified as a Variant of Uncertain Significance.

PreventionGenetics, part of Exact Sciences
Classification: Likely benign for MRE11-related condition. Last evaluated: 2022-04-27. Review status: no assertion criteria provided. Collection method: clinical testing. Allele origin: germline. Not counted in ClinVar's aggregate classification.
Comment: This variant is classified as likely benign based on ACMG/AMP sequence variant interpretation guidelines (Richards et al. 2015 PMID: 25741868, with internal and published modifications).

Literature cited by the submitters: PubMed 17576681 (cited by Labcorp Genetics (formerly Invitae), Labcorp); PubMed 9536098 (cited by Labcorp Genetics (formerly Invitae), Labcorp).

NM_005591.4(MRE11):c.2070+5del

Gene: MRE11 (MRE11 double strand break repair nuclease; minus strand). Cytogenetic location: 11q21.
Variant type: Deletion.
Coding change: c.2070+5del on transcript NM_005591.4 (MANE Select); 5 bases into the intron after coding-DNA position 2070, one base deleted (A; older notation c.2070+5delA).
Molecular consequence: intron variant.
Genome position (GRCh38, 1-based): chr11:94,429,906, T deleted on the plus strand (A on the coding strand, the reverse complement: MRE11 is on the minus strand); the first of 3 consecutive T bases (chr11:94,429,906-94,429,908); deleting any one gives the same sequence. VCF-style (leftmost placement, unchanged base first): chr11-94429905-AT-A. GRCh37 (hg19) VCF-style: chr11-94163071-AT-A.
Other names: c.2067+5del (NM_001330347.2); c.1986+5del (NM_005590.4); c.2070+5delA (NM_005591.3, NM_005591.4).
Identifiers: ClinVar variation 141839 (VCV000141839.12), dbSNP rs587782048, ClinGen allele CA333231.
Genomic context (GRCh38, chr11:94,429,905, plus strand): 5'-GGCAGTCTCTATTTAAATTTTATAAAGTTAAAAATTAATTAAAATTTAACAATATTACTT[AT>A]TTACCTCACTTGATTCAAAATCAACCCCTTTCGATACTTGACTCTGGGACATGATTTTGC-3'